The following is an entry in ClinVar:

NM_000465.4(BARD1):c.1677+3A>G

Gene: BARD1 (BRCA1 associated RING domain 1; minus strand). Cytogenetic location: 2q35.
Variant type: single nucleotide variant.
Coding change: c.1677+3A>G on transcript NM_000465.4 (MANE Select); 3 bases into the intron after coding-DNA position 1677, A replaced by G.
Molecular consequence: intron variant.
Genome position (GRCh38, 1-based): chr2:214,752,444, T>C on the plus strand (A>G on the coding strand, the complement: BARD1 is on the minus strand). VCF-style: chr2-214752444-T-C. GRCh37 (hg19) VCF-style: chr2-215617168-T-C.
Other names: c.1677+3A>G (LRG_297t1); c.267+3A>G (NM_001282548.2); c.1620+3A>G (NM_001282543.2); c.324+3A>G (NM_001282545.2); c.365-21936A>G (NM_001282549.2).
Identifiers: ClinVar variation 460717 (VCV000460717.7), dbSNP rs1553616344, ClinGen allele CA658657226.

ClinVar aggregate classification (germline): Uncertain significance (1 of 4 stars; one submission).

Conditions:
Familial cancer of breast. Also called: BREAST CANCER, FAMILIAL; hereditary breast carcinoma; Hereditary breast cancer. Identifiers: Orphanet 227535, MedGen C0346153, MONDO:0016419, OMIM 114480. Disease mechanism: loss of function.

Submission:

Labcorp Genetics (formerly Invitae), Labcorp
Classification: Uncertain significance for Familial cancer of breast. Last evaluated: 2017-07-15. Review status: criteria provided, single submitter. Criteria: Invitae Variant Classification Sherloc (09022015). Collection method: clinical testing. Allele origin: germline.
Comment: Nucleotide substitutions within the consensus splice site are relatively common causes of aberrant splicing (PMID: 17576681, 9536098). Algorithms developed to predict the effect of sequence changes on RNA splicing suggest that this variant may disrupt the consensus splice site, but this prediction has not been confirmed by published transcriptional studies. This sequence change falls in intron 7 of the BARD1 gene. It does not directly change the encoded amino acid sequence of the BARD1 protein, but it affects a nucleotide within the consensus splice site of the intron. This variant is not present in population databases (ExAC no frequency). This variant has not been reported in the literature in individuals with BARD1-related disease. In summary, the available evidence is currently insufficient to determine the role of this variant in disease. Therefore, it has been classified as a Variant of Uncertain Significance.

Literature cited by the submitters: PubMed 17576681; PubMed 9536098.